The following is an entry in ClinVar:

NM_004260.4(RECQL4):c.2258G>A (p.Arg753Gln)

Gene: RECQL4 (RecQ like helicase 4; minus strand). Cytogenetic location: 8q24.3.
Variant type: single nucleotide variant.
Coding change: c.2258G>A on transcript NM_004260.4 (MANE Select); coding-DNA position 2258, G replaced by A.
Protein change: p.Arg753Gln; replaces arginine 753 with glutamine.
Molecular consequence: missense variant.
Genome position (GRCh38, 1-based): chr8:144,513,423, C>T on the plus strand (G>A on the coding strand, the complement: RECQL4 is on the minus strand). VCF-style: chr8-144513423-C-T. GRCh37 (hg19) VCF-style: chr8-145738807-C-T.
Other names: short protein forms R753Q.
Identifiers: ClinVar variation 239720 (VCV000239720.13), dbSNP rs540601452, ClinGen allele CA4948360.

ClinVar aggregate classification (germline): Uncertain significance. Review status: criteria provided, multiple submitters, no conflicts (2 of 4 stars). 5 submissions from 5 submitters: Uncertain significance (5). Last evaluated 2025-10-03.

Conditions:
Inborn genetic diseases. Identifiers: MedGen C0950123, MeSH D030342.
Baller-Gerold syndrome (BGS). Also called: CRANIOSYNOSTOSIS WITH RADIAL DEFECTS. Identifiers: Orphanet 1225, MedGen C0265308, MONDO:0009039, OMIM 218600.

Allele frequency attached by ClinVar (database versions not stated): gnomAD 0.00001; TOPMed 0.00002; gnomAD exomes 0.00003; ExAC 0.00005; 1000 Genomes Project 30x 0.00016; 1000 Genomes Project 0.00020.

Submissions (5):

Labcorp Genetics (formerly Invitae), Labcorp
Classification: Uncertain significance for Baller-Gerold syndrome. Last evaluated: 2025-10-03. Review status: criteria provided, single submitter. Criteria: Invitae Variant Classification Sherloc (09022015). Collection method: clinical testing. Allele origin: germline.
Comment: This sequence change replaces arginine, which is basic and polar, with glutamine, which is neutral and polar, at codon 753 of the RECQL4 protein (p.Arg753Gln). This variant is present in population databases (rs540601452, gnomAD 0.007%). This variant has not been reported in the literature in individuals affected with RECQL4-related conditions. ClinVar contains an entry for this variant (Variation ID: 239720). Invitae Evidence Modeling of protein sequence and biophysical properties (such as structural, functional, and spatial information, amino acid conservation, physicochemical variation, residue mobility, and thermodynamic stability) indicates that this missense variant is expected to disrupt RECQL4 protein function with a positive predictive value of 80%. In summary, the available evidence is currently insufficient to determine the role of this variant in disease. Therefore, it has been classified as a Variant of Uncertain Significance.

Dasa
Classification: Uncertain significance. Last evaluated: 2025-05-19. Review status: criteria provided, single submitter. Criteria: DASA Assertion Criteria. Collection method: clinical testing. Allele origin: germline.
Comment: NM_004260.4(RECQL4):c.2258G>A (p.Arg753Gln) is a missense variant that results in the substitution of arginine with glutamine. This variant is rare in population databases. The currently available literature and clinical evidence are not sufficient to establish a definitive association between this variant and the reported condition. Therefore, this variant is classified as a variant of uncertain significance.

Ambry Genetics
Classification: Uncertain significance for Inborn genetic diseases. Last evaluated: 2024-11-18. Review status: criteria provided, single submitter. Criteria: Ambry Variant Classification Scheme 2023. Collection method: clinical testing. Allele origin: germline.
Comment: The p.R753Q variant (also known as c.2258G>A), located in coding exon 14 of the RECQL4 gene, results from a G to A substitution at nucleotide position 2258. The arginine at codon 753 is replaced by glutamine, an amino acid with highly similar properties. This amino acid position is conserved. In addition, this alteration is predicted to be deleterious by in silico analysis. Based on the available evidence, the clinical significance of this variant remains unclear.

Blueprint Genetics
Classification: Uncertain significance. Last evaluated: 2024-08-05. Review status: criteria provided, single submitter. Criteria: ACMG Guidelines, 2015. Collection method: clinical testing. Allele origin: germline.

Institute for Clinical Genetics, University Hospital TU Dresden, University Hospital TU Dresden
Classification: Uncertain significance. Last evaluated: 2021-11-03. Review status: criteria provided, single submitter. Criteria: ACMG Guidelines, 2015. Collection method: clinical testing. Allele origin: germline.